The following is an entry in ClinVar:

ClinVar aggregate classification (germline): Uncertain significance (1 of 4 stars; one submission).

Conditions:
Epilepsy, progressive myoclonic, 1B. Also called: PME. Identifiers: Orphanet 308, MedGen C2676254, MONDO:0012904, OMIM 612437.

Allele frequency attached by ClinVar (database versions not stated): ExAC 0.00001.
gnomAD v4.1: 4 of 1,613,968 alleles (0.00025%); highest among the groups gnomAD compares: African/African-American, 0.0053%; no homozygotes.

Submission:

Labcorp Genetics (formerly Invitae), Labcorp
Classification: Uncertain significance for Epilepsy, progressive myoclonic, 1B. Last evaluated: 2021-08-26. Review status: criteria provided, single submitter. Criteria: Invitae Variant Classification Sherloc (09022015). Collection method: clinical testing. Allele origin: germline.
Comment: This sequence change replaces aspartic acid with tyrosine at codon 740 of the PRICKLE1 protein (p.Asp740Tyr). The aspartic acid residue is highly conserved and there is a large physicochemical difference between aspartic acid and tyrosine. This variant is present in population databases (rs760738396, ExAC 0.01%). This variant has not been reported in the literature in individuals affected with PRICKLE1-related conditions. Algorithms developed to predict the effect of missense changes on protein structure and function (SIFT, PolyPhen-2, Align-GVGD) all suggest that this variant is likely to be disruptive. In summary, the available evidence is currently insufficient to determine the role of this variant in disease. Therefore, it has been classified as a Variant of Uncertain Significance.

NM_153026.3(PRICKLE1):c.2218G>T (p.Asp740Tyr)

Gene: PRICKLE1 (prickle planar cell polarity protein 1; minus strand). Cytogenetic location: 12q12.
Variant type: single nucleotide variant.
Coding change: c.2218G>T on transcript NM_153026.3 (MANE Select); coding-DNA position 2218, G replaced by T.
Protein change: p.Asp740Tyr; replaces aspartic acid 740 with tyrosine.
Molecular consequence: missense variant.
Genome position (GRCh38, 1-based): chr12:42,460,087, C>A on the plus strand (G>T on the coding strand, the complement: PRICKLE1 is on the minus strand). VCF-style: chr12-42460087-C-A. GRCh37 (hg19) VCF-style: chr12-42853889-C-A.
Other names: c.2218G>T, p.Asp740Tyr (NM_001144881.2, NM_001144882.2, NM_001144883.2); short protein forms D740Y.
Identifiers: ClinVar variation 1485999 (VCV001485999.5), dbSNP rs760738396, ClinGen allele CA6519634.